The following is an entry in ClinVar:

NM_015978.3(TNNI3K):c.683-1G>A

Genes: FPGT-TNNI3K (FPGT-TNNI3K readthrough; plus strand), TNNI3K (TNNI3 interacting kinase; plus strand). Cytogenetic location: 1p31.1.
Variant type: single nucleotide variant.
Coding change: c.683-1G>A on transcript NM_015978.3 (MANE Select); the canonical splice acceptor site of the intron before coding-DNA position 683, G replaced by A.
Molecular consequence: splice acceptor variant.
Genome position (GRCh38, 1-based): chr1:74,342,841, G>A. VCF-style: chr1-74342841-G-A. GRCh37 (hg19) VCF-style: chr1-74808525-G-A.
Other names: c.986-1G>A (NM_001112808.3, NM_001199327.2).
Identifiers: ClinVar variation 2124935 (VCV002124935.4), dbSNP rs1251267735, ClinGen allele CA340781355.

ClinVar aggregate classification (germline): Uncertain significance (1 of 4 stars; one submission).

Allele frequency attached by ClinVar (database versions not stated): gnomAD exomes below 0.00001; gnomAD 0.00001.
gnomAD v4.1: 5 of 1,613,378 alleles (0.00031%); highest among the groups gnomAD compares: Non-Finnish European, 0.00042%; no homozygotes.

Submission:

Labcorp Genetics (formerly Invitae), Labcorp
Classification: Uncertain significance. Last evaluated: 2022-04-11. Review status: criteria provided, single submitter. Criteria: Invitae Variant Classification Sherloc (09022015). Collection method: clinical testing. Allele origin: germline.
Comment: This sequence change affects an acceptor splice site in intron 7 of the TNNI3K gene. It is expected to disrupt RNA splicing. Variants that disrupt the donor or acceptor splice site typically lead to a loss of protein function (PMID: 16199547), however the current clinical and genetic evidence is not sufficient to establish whether loss-of-function variants in TNNI3K cause disease. In summary, the available evidence is currently insufficient to determine the role of this variant in disease. Therefore, it has been classified as a Variant of Uncertain Significance. Algorithms developed to predict the effect of sequence changes on RNA splicing suggest that this variant may disrupt the consensus splice site. This variant has not been reported in the literature in individuals affected with TNNI3K-related conditions. This variant is present in population databases (no rsID available, gnomAD 0.002%).

Literature cited by the submitters: PubMed 16199547.